The following is an entry in ClinVar:

ClinVar aggregate classification (germline): Likely pathogenic (1 of 4 stars; one submission).

Conditions:
Desmin-related myofibrillar myopathy (MFM1). Also called: Desmin related myopathy (former name); Desmin storage myopathy (former name); MYOFIBRILLAR MYOPATHY WITH ARRHYTHMOGENIC RIGHT VENTRICULAR CARDIOMYOPATHY; DESMIN-RELATED MYOPATHY WITH ARRHYTHMOGENIC RIGHT VENTRICULAR CARDIOMYOPATHY; Myofibrillar myopathy 1; Desminopathy. Identifiers: Orphanet 363543, Orphanet 98909, MedGen C1832370, MONDO:0011076, OMIM 601419.

Allele frequency attached by ClinVar (database versions not stated): gnomAD exomes below 0.00001.

Submission:

Labcorp Genetics (formerly Invitae), Labcorp
Classification: Likely pathogenic for Desmin-related myofibrillar myopathy. Last evaluated: 2026-01-05. Review status: criteria provided, single submitter. Criteria: Invitae Variant Classification Sherloc (09022015). Collection method: clinical testing. Allele origin: germline.
Comment: This sequence change replaces arginine, which is basic and polar, with cysteine, which is neutral and slightly polar, at codon 127 of the DES protein (p.Arg127Cys). This variant is not present in population databases (gnomAD no frequency). This variant has not been reported in the literature in individuals affected with DES-related conditions. ClinVar contains an entry for this variant (Variation ID: 2007349). Invitae Evidence Modeling of protein sequence and biophysical properties (such as structural, functional, and spatial information, amino acid conservation, physicochemical variation, residue mobility, and thermodynamic stability) indicates that this missense variant is expected to disrupt DES protein function with a positive predictive value of 95%. This variant disrupts the p.Arg127 amino acid residue in DES. Other variant(s) that disrupt this residue have been determined to be pathogenic (PMID: 25179549, 40265264). This suggests that this residue is clinically significant, and that variants that disrupt this residue are likely to be disease-causing. In summary, the currently available evidence indicates that the variant is pathogenic, but additional data are needed to prove that conclusively. Therefore, this variant has been classified as Likely Pathogenic.

Literature cited by the submitters: PubMed 25179549; PubMed 40265264.

NM_001927.4(DES):c.379C>T (p.Arg127Cys)

Gene: DES (desmin; plus strand). Cytogenetic location: 2q35.
Variant type: single nucleotide variant.
Coding change: c.379C>T on transcript NM_001927.4 (MANE Select); coding-DNA position 379, C replaced by T.
Protein change: p.Arg127Cys; replaces arginine 127 with cysteine.
Molecular consequence: missense variant.
Genome position (GRCh38, 1-based): chr2:219,418,841, C>T. VCF-style: chr2-219418841-C-T. GRCh37 (hg19) VCF-style: chr2-220283563-C-T.
Other names: c.379C>T, p.Arg127Cys (NM_001382708.1, NM_001382709.1, NM_001382710.1 and 3 more transcripts); short protein forms R127C.
Identifiers: ClinVar variation 2007349 (VCV002007349.4), dbSNP rs868157645, ClinGen allele CA65981208.
Genomic context (GRCh38, chr2:219,418,841, plus strand): 5'-AACGAGAAGGTGGAGCTGCAGGAGCTCAATGACCGCTTCGCCAACTACATCGAGAAGGTG[C>T]GCTTCCTGGAGCAGCAGAACGCGGCGCTCGCCGCCGAAGTGAACCGGCTCAAGGGCCGCG-3'
Protein context (NP_001918.3, residues 117-137): DRFANYIEKV[Arg127Cys]FLEQQNAALA